The following is an entry in ClinVar:

NM_000535.7(PMS2):c.694G>T (p.Gly232Trp)

Gene: PMS2 (PMS1 homolog 2, mismatch repair system component; minus strand). Cytogenetic location: 7p22.1.
Variant type: single nucleotide variant.
Coding change: c.694G>T on transcript NM_000535.7 (MANE Select); coding-DNA position 694, G replaced by T.
Protein change: p.Gly232Trp; replaces glycine 232 with tryptophan.
Molecular consequence: missense variant. On other transcripts: 5 prime UTR variant (2), non-coding transcript variant (1), intron variant (9).
Genome position (GRCh38, 1-based): chr7:5,999,119, C>A on the plus strand (G>T on the coding strand, the complement: PMS2 is on the minus strand). VCF-style: chr7-5999119-C-A. GRCh37 (hg19) VCF-style: chr7-6038750-C-A.
Other names: NC_000007.13:g.6038750C>A; c.385G>T, p.Gly129Trp (NM_001406880.1, NM_001406881.1, NM_001406882.1 and 6 more transcripts); c.376G>T, p.Gly126Trp (NM_001406883.1, NM_001322007.2, NM_001322008.2 and 4 more transcripts); c.358G>T, p.Gly120Trp (NM_001406885.1); c.289G>T, p.Gly97Trp (NM_001406887.1, NM_001406888.1, NM_001406889.1 and 19 more transcripts); c.694G>T, p.Gly232Trp (NM_001322006.2, NM_001322014.2, NM_001406870.1 and 4 more transcripts); c.-240G>T (NM_001322011.2, NM_001322012.2); c.880G>T, p.Gly294Trp (NM_001406866.1); and 7 more; short protein forms G97W, G232W, G120W, G126W, G129W, G240W, G294W.
Identifiers: ClinVar variation 4338698 (VCV004338698.2).

ClinVar aggregate classification (germline): Uncertain significance (1 of 4 stars; one submission).

Conditions:
Hereditary cancer-predisposing syndrome. Also called: Neoplastic Syndromes, Hereditary; Tumor predisposition; Hereditary Cancer Syndrome; Hereditary neoplastic syndrome. Identifiers: Orphanet 140162, MedGen C0027672, MeSH D009386, MONDO:0015356.

Submissions (2):

Ambry Genetics
Classification: Uncertain significance for Hereditary cancer-predisposing syndrome. Last evaluated: 2026-07-06. Review status: criteria provided, single submitter. Criteria: Ambry Variant Classification Scheme 2023. Collection method: clinical testing. Allele origin: germline.
Comment: The p.G232W variant (also known as c.694G>T), located in coding exon 6 of the PMS2 gene, results from a G to T substitution at nucleotide position 694. The glycine at codon 232 is replaced by tryptophan, an amino acid with highly dissimilar properties. This amino acid position is conserved. In addition, this alteration is predicted to be deleterious by in silico analysis. Based on the available evidence, the clinical significance of this variant remains unclear.

Dr. Peter K. Rogan Lab, Western University
No classification provided (evidence only). Condition: Malignant tumor of urinary bladder. Review status: no classification provided. Collection method: in vitro. Allele origin: not applicable. Functional consequence: retained intron. Not counted in ClinVar's aggregate classification.